The following is an entry in ClinVar:

ClinVar aggregate classification (germline): Uncertain significance (1 of 4 stars; one submission).

Submission:

GeneDx
Classification: Uncertain significance. Last evaluated: 2023-12-10. Review status: criteria provided, single submitter. Criteria: GeneDx Variant Classification Process June 2021. Collection method: clinical testing. Allele origin: germline. Affected: yes.
Comment: Frameshift variant predicted to result in protein truncation or nonsense mediated decay in a gene or region of a gene for which loss of function is not a well-established mechanism of disease; Has not been previously published as pathogenic or benign to our knowledge; Variants in candidate genes are classified as variants of uncertain significance in accordance with ACMG guidelines (PMID: 25741868)

NM_001039469.3(MARK2):c.1644dup (p.Thr549fs)

Gene: MARK2 (microtubule affinity regulating kinase 2; plus strand). Cytogenetic location: 11q13.1.
Variant type: Duplication.
Coding change: c.1644dup on transcript NM_001039469.3 (MANE Select); coding-DNA position 1644, one base duplicated (C; older notation c.1644dupC).
Protein change: p.Thr549fs; shifts the reading frame from threonine 549.
Molecular consequence: frameshift variant. On other transcripts: intron variant (3).
Genome position (GRCh38, 1-based): chr11:63,904,115, C duplicated; the last of 6 consecutive C bases (chr11:63,904,110-63,904,115); duplicating any one gives the same sequence. VCF-style (leftmost placement, unchanged base first): chr11-63904109-G-GC. GRCh37 (hg19) VCF-style: chr11-63671581-G-GC.
Other names: c.1542dup, p.Thr515fs (NM_017490.4); c.1515-671dup (NM_001163296.2); c.1512-671dup (NM_004954.5, NM_001163297.2); short protein forms T515fs, T549fs.
Identifiers: ClinVar variation 3378104 (VCV003378104.1).